The following is an entry in ClinVar:

ClinVar aggregate classification (germline): Uncertain significance (1 of 4 stars; one submission).

Conditions:
Autosomal recessive ataxia, Beauce type. Also called: Spinocerebellar ataxia, autosomal recessive 8; ATAXIA, RECESSIVE, OF BEAUCE; SYNE1 Deficiency; SYNE1-Related Autosomal Recessive Cerebellar Ataxia. Identifiers: Orphanet 88644, MedGen C1853116, MONDO:0012549, OMIM 610743.
Emery-Dreifuss muscular dystrophy 4, autosomal dominant (EDMD4). Also called: EMERY-DREIFUSS MUSCULAR DYSTROPHY 4 WITH VARIABLE FEATURES. Identifiers: Orphanet 261, MedGen C2751807, MONDO:0013071, OMIM 612998.

gnomAD v4.1: 1 of 1,525,942 alleles (0.000066%); no homozygotes.

Submission:

Labcorp Genetics (formerly Invitae), Labcorp
Classification: Uncertain significance for Emery-Dreifuss muscular dystrophy 4, autosomal dominant; Autosomal recessive ataxia, Beauce type. Last evaluated: 2018-09-06. Review status: criteria provided, single submitter. Criteria: Invitae Variant Classification Sherloc (09022015). Collection method: clinical testing. Allele origin: germline.
Comment: In summary, the available evidence is currently insufficient to determine the role of this variant in disease. Therefore, it has been classified as a Variant of Uncertain Significance. Nucleotide substitutions within the consensus splice site are a relatively common cause of aberrant splicing (PMID: 17576681, 9536098). Algorithms developed to predict the effect of sequence changes on RNA splicing suggest that this variant may disrupt the consensus splice site, but this prediction has not been confirmed by published transcriptional studies. This variant has not been reported in the literature in individuals with SYNE1-related disease. This variant is not present in population databases (ExAC no frequency). This sequence change falls in intron 12 of the SYNE1 gene. It does not directly change the encoded amino acid sequence of the SYNE1 protein, but it affects a nucleotide within the consensus splice site of the intron.

Literature cited by the submitters: PubMed 17576681; PubMed 9536098.

NM_182961.4(SYNE1):c.1047+4T>G

Gene: SYNE1 (spectrin repeat containing nuclear envelope protein 1; minus strand). Cytogenetic location: 6q25.2.
Variant type: single nucleotide variant.
Coding change: c.1047+4T>G on transcript NM_182961.4 (MANE Select); 4 bases into the intron after coding-DNA position 1047, T replaced by G.
Molecular consequence: intron variant.
Genome position (GRCh38, 1-based): chr6:152,488,392, A>C on the plus strand (T>G on the coding strand, the complement: SYNE1 is on the minus strand). VCF-style: chr6-152488392-A-C. GRCh37 (hg19) VCF-style: chr6-152809527-A-C.
Other names: c.1068+4T>G (NM_033071.5).
Identifiers: ClinVar variation 645693 (VCV000645693.8), dbSNP rs9397106, ClinGen allele CA150223090.